The following is an entry in ClinVar:

NM_017654.4(SAMD9):c.2753T>C (p.Phe918Ser)

Gene: SAMD9 (sterile alpha motif domain containing 9; minus strand). Cytogenetic location: 7q21.2.
Variant type: single nucleotide variant.
Coding change: c.2753T>C on transcript NM_017654.4 (MANE Select); coding-DNA position 2753, T replaced by C.
Protein change: p.Phe918Ser; replaces phenylalanine 918 with serine.
Molecular consequence: missense variant.
Genome position (GRCh38, 1-based): chr7:93,103,345, A>G on the plus strand (T>C on the coding strand, the complement: SAMD9 is on the minus strand). VCF-style: chr7-93103345-A-G. GRCh37 (hg19) VCF-style: chr7-92732658-A-G.
Other names: c.2753T>C, p.Phe918Ser (NM_001193307.2); c.2753T>C (NM_017654.3); short protein forms F918S.
Identifiers: ClinVar variation 3607684 (VCV003607684.3).

ClinVar aggregate classification (germline): Uncertain significance. Review status: criteria provided, multiple submitters, no conflicts (2 of 4 stars). 2 submissions from 2 submitters: Uncertain significance (2). Last evaluated 2025-02-03.

Conditions:
Inborn genetic diseases. Identifiers: MedGen C0950123, MeSH D030342.

gnomAD v4.1: 12 of 1,613,588 alleles (0.00074%); highest among the groups gnomAD compares: Non-Finnish European, 0.00093%; no homozygotes.

Submissions (2):

Ambry Genetics
Classification: Uncertain significance for Inborn genetic diseases. Last evaluated: 2025-02-03. Review status: criteria provided, single submitter. Criteria: Ambry Variant Classification Scheme 2023. Collection method: clinical testing. Allele origin: germline.
Comment: The p.F918S variant (also known as c.2753T>C), located in coding exon 1 of the SAMD9 gene, results from a T to C substitution at nucleotide position 2753. The phenylalanine at codon 918 is replaced by serine, an amino acid with highly dissimilar properties. This amino acid position is conserved. In addition, the in silico prediction for this alteration is inconclusive. Based on the available evidence, the clinical significance of this variant remains unclear.

Labcorp Genetics (formerly Invitae), Labcorp
Classification: Uncertain significance. Last evaluated: 2025-01-10. Review status: criteria provided, single submitter. Criteria: Invitae Variant Classification Sherloc (09022015). Collection method: clinical testing. Allele origin: germline.
Comment: This sequence change replaces phenylalanine, which is neutral and non-polar, with serine, which is neutral and polar, at codon 918 of the SAMD9 protein (p.Phe918Ser). This variant is not present in population databases (gnomAD no frequency). This variant has not been reported in the literature in individuals affected with SAMD9-related conditions. Invitae Evidence Modeling of protein sequence and biophysical properties (such as structural, functional, and spatial information, amino acid conservation, physicochemical variation, residue mobility, and thermodynamic stability) has been performed for this missense variant. However, the output from this modeling did not meet the statistical confidence thresholds required to predict the impact of this variant on SAMD9 protein function. In summary, the available evidence is currently insufficient to determine the role of this variant in disease. Therefore, it has been classified as a Variant of Uncertain Significance.